The following is an entry in ClinVar:

ClinVar aggregate classification (germline): Conflicting classifications of pathogenicity. Review status: criteria provided, conflicting classifications (1 of 4 stars). 3 submissions from 3 submitters: Uncertain significance (1); Benign (2). Last evaluated 2026-01-28.

Conditions:
Hermansky-Pudlak syndrome 5 (HPS5). Identifiers: Orphanet 231512, Orphanet 79430, MedGen C3888004, MONDO:0013557, OMIM 614074.

Allele frequency attached by ClinVar (database versions not stated): TOPMed 0.00042; 1000 Genomes Project 30x 0.00047; 1000 Genomes Project 0.00060; ESP Exome Variant Server 0.00069; ExAC 0.00245; gnomAD 0.00264 and 0.00276; gnomAD exomes 0.00280.

Submissions (6):

Labcorp Genetics (formerly Invitae), Labcorp
Classification: Benign. Last evaluated: 2026-01-28. Review status: criteria provided, single submitter. Criteria: Invitae Variant Classification Sherloc (09022015). Collection method: clinical testing. Allele origin: germline.

Mayo Clinic Laboratories, Mayo Clinic
Classification: Benign. Last evaluated: 2025-05-13. Review status: criteria provided, single submitter. Criteria: ACMG Guidelines, 2015. Collection method: clinical testing. Allele origin: germline. Observed: 2 variant alleles.
Comment: BS1, BS2, BP4_moderate

Illumina Laboratory Services, Illumina
Classification: Uncertain significance for Hermansky-Pudlak syndrome 5. Last evaluated: 2018-01-12. Review status: criteria provided, single submitter. Criteria: ICSL Variant Classification Criteria 13 December 2019. Collection method: clinical testing. Allele origin: germline.

Dr. Peter K. Rogan Lab, Western University
No classification provided (evidence only). Condition: Lung cancer. Review status: no classification provided. Collection method: in vitro. Allele origin: not applicable. Functional consequence: retained intron. Not counted in ClinVar's aggregate classification.

Dr. Peter K. Rogan Lab, Western University
No classification provided (evidence only). Condition: Colorectal cancer. Review status: no classification provided. Collection method: in vitro. Allele origin: not applicable. Functional consequence: skipped exon. Not counted in ClinVar's aggregate classification.

Dr. Peter K. Rogan Lab, Western University
No classification provided (evidence only). Condition: Cervical cancer. Review status: no classification provided. Collection method: in vitro. Allele origin: not applicable. Functional consequence: retained intron. Not counted in ClinVar's aggregate classification.

NM_181507.2(HPS5):c.1609G>T (p.Val537Leu)

Gene: HPS5 (HPS5 biogenesis of lysosomal organelles complex 2 subunit 2; minus strand). Cytogenetic location: 11p15.1.
Variant type: single nucleotide variant.
Coding change: c.1609G>T on transcript NM_181507.2 (MANE Select); coding-DNA position 1609, G replaced by T.
Protein change: p.Val537Leu; replaces valine 537 with leucine.
Molecular consequence: missense variant.
Genome position (GRCh38, 1-based): chr11:18,296,024, C>A on the plus strand (G>T on the coding strand, the complement: HPS5 is on the minus strand). VCF-style: chr11-18296024-C-A. GRCh37 (hg19) VCF-style: chr11-18317571-C-A.
Other names: p.Val537Leu; c.1267G>T, p.Val423Leu (NM_007216.4, NM_181508.2); short protein forms V537L, V423L.
Identifiers: ClinVar variation 303885 (VCV000303885.17), dbSNP rs149677540, ClinGen allele CA5910065.